The following is an entry in ClinVar:

NM_005908.4(MANBA):c.997A>G (p.Ile333Val)

Gene: MANBA (mannosidase beta; minus strand). Cytogenetic location: 4q24.
Variant type: single nucleotide variant.
Coding change: c.997A>G on transcript NM_005908.4 (MANE Select); coding-DNA position 997, A replaced by G.
Protein change: p.Ile333Val; replaces isoleucine 333 with valine.
Molecular consequence: missense variant.
Genome position (GRCh38, 1-based): chr4:102,674,034, T>C on the plus strand (A>G on the coding strand, the complement: MANBA is on the minus strand). VCF-style: chr4-102674034-T-C. GRCh37 (hg19) VCF-style: chr4-103595191-T-C.
Other names: c.997A>G (NM_005908.3); short protein forms I333V.
Identifiers: ClinVar variation 2157589 (VCV002157589.2), dbSNP rs967431822, ClinGen allele CA102699044.

ClinVar aggregate classification (germline): Uncertain significance. Review status: criteria provided, multiple submitters, no conflicts (2 of 4 stars). 2 submissions from 2 submitters: Uncertain significance (2). Last evaluated 2023-11-14.

Conditions:
Beta-D-mannosidosis (MANSB). Also called: Beta-Mannosidosis; MANNOSIDOSIS, BETA A, LYSOSOMAL; BETA-MANNOSIDASE DEFICIENCY; LYSOSOMAL BETA-MANNOSIDASE DEFICIENCY. Identifiers: Orphanet 118, MedGen C4048196, MONDO:0009562, OMIM 248510.
Inborn genetic diseases. Identifiers: MedGen C0950123, MeSH D030342.

Allele frequency attached by ClinVar (database versions not stated): TOPMed 0.00010; gnomAD 0.00006; gnomAD exomes 0.00001.
gnomAD v4.1: 23 of 1,602,064 alleles (0.0014%); highest among the groups gnomAD compares: Admixed American, 0.03%; no homozygotes.

Submissions (2):

Ambry Genetics
Classification: Uncertain significance for Inborn genetic diseases. Last evaluated: 2023-11-14. Review status: criteria provided, single submitter. Criteria: Ambry Variant Classification Scheme 2023. Collection method: clinical testing. Allele origin: germline.

Labcorp Genetics (formerly Invitae), Labcorp
Classification: Uncertain significance for Beta-D-mannosidosis. Last evaluated: 2022-09-26. Review status: criteria provided, single submitter. Criteria: Invitae Variant Classification Sherloc (09022015). Collection method: clinical testing. Allele origin: germline.
Comment: This sequence change replaces isoleucine, which is neutral and non-polar, with valine, which is neutral and non-polar, at codon 333 of the MANBA protein (p.Ile333Val). This variant is present in population databases (no rsID available, gnomAD 0.03%). This variant has not been reported in the literature in individuals affected with MANBA-related conditions. Algorithms developed to predict the effect of missense changes on protein structure and function (SIFT, PolyPhen-2, Align-GVGD) all suggest that this variant is likely to be tolerated. In summary, the available evidence is currently insufficient to determine the role of this variant in disease. Therefore, it has been classified as a Variant of Uncertain Significance.